The following is an entry in ClinVar:

NM_000222.3(KIT):c.1612ATT[1] (p.Ile539del)

Gene: KIT (KIT proto-oncogene, receptor tyrosine kinase; plus strand). Cytogenetic location: 4q12.
Variant type: Microsatellite.
Coding change: c.1612ATT[1] on transcript NM_000222.3 (MANE Select); one copy of the 3-base unit ATT starting at c.1612; the reference has two copies in a row; one copy, 3 bases deleted.
Protein change: p.Ile539del; deletes isoleucine 539.
Molecular consequence: inframe deletion. On other transcripts: inframe indel (1).
Genome position (GRCh38, 1-based): chr4:54,727,292-54,727,294, ATT deleted; deleting any 3 consecutive bases within chr4:54,727,289-54,727,294 gives the same sequence; the position shown is the placement nearest the transcript's 3' end. VCF-style (leftmost placement, unchanged base first): chr4-54727288-CATT-C. GRCh37 (hg19) VCF-style: chr4-55593454-CATT-C.
Other names: c.1612_1614ATT[1], p.Ile539del (NM_000222.2); c.1600ATT[1], p.Ile535del (NM_001093772.2, NM_001385286.1); c.1615ATT[1], p.Ile540del (NM_001385284.1, NM_001385290.1); c.1612ATT[1], p.Ile539del (NM_001385285.1); c.1603ATT[1], p.Ile536del (NM_001385288.1, NM_001385292.1); c.1615_1617delATT (NM_000222.2); short protein forms I535del, I536del, I540del, I539del.
Identifiers: ClinVar variation 1956856 (VCV001956856.3), dbSNP rs2475542574, ClinGen allele CA2580615968.

ClinVar aggregate classification (germline): Uncertain significance. Review status: criteria provided, multiple submitters, no conflicts (2 of 4 stars). 2 submissions from 2 submitters: Uncertain significance (2). Last evaluated 2026-07-30.

Conditions:
Gastrointestinal stromal tumor. Also called: Gastrointestinal stroma tumor; Gastrointestinal stromal tumor, somatic. Identifiers: Orphanet 44890, MedGen C0238198, MeSH D046152, MONDO:0011719, OMIM 606764, HP:0100723.
Hereditary cancer-predisposing syndrome. Also called: Hereditary neoplastic syndrome; Neoplastic Syndromes, Hereditary; Tumor predisposition; Hereditary Cancer Syndrome. Identifiers: Orphanet 140162, MedGen C0027672, MeSH D009386, MONDO:0015356.

Submissions (2):

Ambry Genetics
Classification: Uncertain significance for Hereditary cancer-predisposing syndrome. Last evaluated: 2026-07-30. Review status: criteria provided, single submitter. Criteria: Ambry Variant Classification Scheme 2023. Collection method: clinical testing. Allele origin: germline.
Comment: The c.1615_1617delATT variant (also known as p.I539del) is located in coding exon 10 of the KIT gene. This variant results from an in-frame ATT deletion at nucleotide positions 1615 to 1617. This results in the in-frame deletion of an isoleucine at codon 539. This amino acid position is not well conserved in available vertebrate species. In addition, this variant is predicted to be deleterious by in silico analysis (Choi Y et al. PLoS ONE. 2012; 7(10):e46688). Based on the available evidence, the clinical significance of this variant remains unclear.

Labcorp Genetics (formerly Invitae), Labcorp
Classification: Uncertain significance for Gastrointestinal stromal tumor. Last evaluated: 2021-09-24. Review status: criteria provided, single submitter. Criteria: Invitae Variant Classification Sherloc (09022015). Collection method: clinical testing. Allele origin: germline.
Comment: This variant, c.1615_1617del, results in the deletion of 1 amino acid(s) of the KIT protein (p.Ile539del), but otherwise preserves the integrity of the reading frame. This variant is not present in population databases (ExAC no frequency). This variant has not been reported in the literature in individuals with KIT-related conditions. Experimental studies and prediction algorithms are not available or were not evaluated, and the functional significance of this variant is currently unknown. In summary, the available evidence is currently insufficient to determine the role of this variant in disease. Therefore, it has been classified as a Variant of Uncertain Significance.